The following is an entry in ClinVar:

NM_002473.6(MYH9):c.1228-4G>A

Gene: MYH9 (myosin heavy chain 9; minus strand). Cytogenetic location: 22q12.3.
Variant type: single nucleotide variant.
Coding change: c.1228-4G>A on transcript NM_002473.6 (MANE Select); 4 bases into the intron before coding-DNA position 1228, G replaced by A.
Molecular consequence: intron variant.
Genome position (GRCh38, 1-based): chr22:36,316,673, C>T on the plus strand (G>A on the coding strand, the complement: MYH9 is on the minus strand). VCF-style: chr22-36316673-C-T. GRCh37 (hg19) VCF-style: chr22-36712718-C-T.
Identifiers: ClinVar variation 759747 (VCV000759747.8), dbSNP rs374582941, ClinGen allele CA10210327.
Genomic context (GRCh38, chr22:36,316,673, plus strand): 5'-CCAGCGGAACATCCGCTCATAGGTCGCCTTGGCCAAGGCCTCGATGGCAAAGTCAGCCTG[C>T]GGGGCACACCCGGGGAGCGTGGTGTCAGATACAAAGGATCTGAAAACCCTCATACCCTAT-3'

ClinVar aggregate classification (germline): Likely benign. Review status: criteria provided, single submitter (1 of 4 stars). 2 submissions from 2 submitters: Likely benign (1). 1 of the submissions does not count toward it. Last evaluated 2025-02-13.

Conditions:
MYH9-related disorder. Identifiers: MedGen C1854520.

Allele frequency attached by ClinVar (database versions not stated): ExAC 0.00001; gnomAD 0.00001; gnomAD exomes 0.00002; TOPMed 0.00002; ESP Exome Variant Server 0.00008.

Submissions (2):

Labcorp Genetics (formerly Invitae), Labcorp
Classification: Likely benign. Last evaluated: 2025-02-13. Review status: criteria provided, single submitter. Criteria: Invitae Variant Classification Sherloc (09022015). Collection method: clinical testing. Allele origin: germline.

PreventionGenetics, part of Exact Sciences
Classification: Likely benign for MYH9-related condition. Last evaluated: 2024-05-08. Review status: no assertion criteria provided. Collection method: clinical testing. Allele origin: germline. Not counted in ClinVar's aggregate classification.
Comment: This variant is classified as likely benign based on ACMG/AMP sequence variant interpretation guidelines (Richards et al. 2015 PMID: 25741868, with internal and published modifications).